The following is an entry in ClinVar:

NM_006087.4(TUBB4A):c.800T>C (p.Met267Thr)

Gene: TUBB4A (tubulin beta 4A class IVa; minus strand). Cytogenetic location: 19p13.3.
Variant type: single nucleotide variant.
Coding change: c.800T>C on transcript NM_006087.4 (MANE Select); coding-DNA position 800, T replaced by C.
Protein change: p.Met267Thr; replaces methionine 267 with threonine.
Molecular consequence: missense variant.
Genome position (GRCh38, 1-based): chr19:6,495,699, A>G on the plus strand (T>C on the coding strand, the complement: TUBB4A is on the minus strand). VCF-style: chr19-6495699-A-G. GRCh37 (hg19) VCF-style: chr19-6495710-A-G.
Other names: NM_001289131.2:c.584T>C; c.953T>C, p.Met318Thr (NM_001289123.2); c.935T>C, p.Met312Thr (NM_001289127.2); c.800T>C, p.Met267Thr (NM_001289129.2); c.584T>C, p.Met195Thr (NM_001289130.2, NM_001289131.2); short protein forms M195T, M267T, M312T, M318T.
Identifiers: ClinVar variation 3061830 (VCV003061830.1), dbSNP rs1914124769, ClinGen allele CA403590977.

ClinVar aggregate classification (germline): Uncertain significance (1 of 4 stars; one submission).

Conditions:
Brown syndrome. Also called: Brown anomaly. Identifiers: MedGen C0155339, MONDO:0014624, OMIM 616407, HP:0031622.

Allele frequency attached by ClinVar (database versions not stated): TOPMed 0.00001.

Submission:

Broad Center for Mendelian Genomics, Broad Institute of MIT and Harvard
Classification: Uncertain significance for Brown syndrome. Last evaluated: 2024-03-13. Review status: criteria provided, single submitter. Criteria: ACMG Guidelines, 2015. Collection method: curation. Allele origin: germline. Inheritance: Autosomal dominant inheritance.
Comment: The heterozygous p.Met267Thr variant in TUBB4A was identified by our study in three affected members of one family with Brown syndrome, via a collaborative study between the Broad Institute's Center for Mendelian Genomics and the Engle lab. The p.Met267Thr variant in TUBB4A has not been previously reported in individuals with hypomyelinating leukodystrophy 6. This variant was absent from large population studies. The number of missense variants reported in TUBB4A in the general population is lower than expected, suggesting there is little benign variation in this gene and slightly increasing the possibility that a missense variant in this gene may not be tolerated. The p.Met267Thr variant is located in a region of TUBB4A that is essential to microtubule binding, suggesting that this variant is in a functional domain and slightly supports pathogenicity (PMID: 32107477). Computational prediction tools and conservation analyses suggest that this variant may impact the protein, though this information is not predictive enough to determine pathogenicity. In summary, while there is some suspicion for a pathogenic role, the clinical significance of this variant is uncertain. ACMG/AMP Criteria applied: PM1_Supporting, PM2_Supporting, PP2, PP3 (Richards 2015).

Literature cited by the submitters: PubMed 39033378.